The following is an entry in ClinVar:

NM_003482.4(KMT2D):c.13834A>T (p.Thr4612Ser)

Gene: KMT2D (lysine methyltransferase 2D; minus strand). Cytogenetic location: 12q13.12.
Variant type: single nucleotide variant.
Coding change: c.13834A>T on transcript NM_003482.4 (MANE Select); coding-DNA position 13834, A replaced by T.
Protein change: p.Thr4612Ser; replaces threonine 4612 with serine.
Molecular consequence: missense variant.
Genome position (GRCh38, 1-based): chr12:49,030,606, T>A on the plus strand (A>T on the coding strand, the complement: KMT2D is on the minus strand). VCF-style: chr12-49030606-T-A. GRCh37 (hg19) VCF-style: chr12-49424389-T-A.
Other names: short protein forms T4612S.
Identifiers: ClinVar variation 1311096 (VCV001311096.5), dbSNP rs747600863, ClinGen allele CA6545898.
Genomic context (GRCh38, chr12:49,030,606, plus strand): 5'-CCCTCACCTTCCCAAGAACTTCACTATTCCCAAAAAATATTGCCATTTTTCTGACCTTGG[T>A]AAGCAGCTGGGAATAGTAGTCAGGGCCAGTGGGCAGCGCCCCACTTCCAAAGGCCCCCCT-3'
Protein context (NP_003473.3, residues 4602-4622): TGPDYYSQLL[Thr4612Ser]KNNLSNPPTP

ClinVar aggregate classification (germline): Conflicting classifications of pathogenicity. Review status: criteria provided, conflicting classifications (1 of 4 stars). 2 submissions from 2 submitters: Uncertain significance (1); Likely benign (1). Last evaluated 2023-11-15.

Conditions:
Kabuki syndrome. Also called: Kabuki make-up syndrome; NIIKAWA-KUROKI SYNDROME. Identifiers: Orphanet 2322, MedGen C0796004, MONDO:0016512.

gnomAD v4.1: 3 of 1,563,180 alleles (0.00019%); highest among the groups gnomAD compares: Non-Finnish European, 0.00026%; no homozygotes.

Submissions (2):

Labcorp Genetics (formerly Invitae), Labcorp
Classification: Likely benign for Kabuki syndrome. Last evaluated: 2023-11-15. Review status: criteria provided, single submitter. Criteria: Invitae Variant Classification Sherloc (09022015). Collection method: clinical testing. Allele origin: germline.

GeneDx
Classification: Uncertain significance. Last evaluated: 2019-09-06. Review status: criteria provided, single submitter. Criteria: GeneDx Variant Classification Process June 2021. Collection method: clinical testing. Allele origin: germline. Affected: yes.
Comment: In silico analysis, which includes protein predictors and evolutionary conservation, supports that this variant does not alter protein structure/function; Has not been previously published as pathogenic or benign to our knowledge